The following is an entry in ClinVar:

ClinVar aggregate classification (germline): Likely pathogenic (1 of 4 stars; one submission).

Conditions:
Intellectual disability-microcephaly-strabismus-behavioral abnormalities syndrome. Also called: White-Sutton Syndrome. Identifiers: Orphanet 468678, MedGen C4225351, MONDO:0014606, OMIM 616364.

Submission:

Molecular Genetics Laboratory, Motol Hospital
Classification: Likely pathogenic for Intellectual disability-microcephaly-strabismus-behavioral abnormalities syndrome. Last evaluated: 2026-05-16. Review status: criteria provided, single submitter. Criteria: ACMG Guidelines, 2015. Collection method: clinical testing. Allele origin: de novo. Inheritance: Sporadic. Affected: yes. Observed: 1 variant allele, 1 heterozygote.
Comment: Variant not present in non-Finnish European population (PM2). Rare truncating variants are associated with autosomal dominant White-Sutton syndrome (WHSUS) (PVS1). The variant is classified as likely pathogenic.

Literature cited by the submitters: PubMed 26739615; PubMed 31782611; PubMed 26942287; PubMed 24896178.

NM_015100.4(POGZ):c.2998del (p.Gln1000fs)

Gene: POGZ (pogo transposable element derived with ZNF domain; minus strand). Cytogenetic location: 1q21.3.
Variant type: Deletion.
Coding change: c.2998del on transcript NM_015100.4 (MANE Select); coding-DNA position 2998, one base deleted (C; older notation c.2998delC).
Protein change: p.Gln1000fs; shifts the reading frame from glutamine 1000.
Molecular consequence: frameshift variant.
Genome position (GRCh38, 1-based): chr1:151,406,037, G deleted on the plus strand (C on the coding strand, the reverse complement: POGZ is on the minus strand); the first of 4 consecutive G bases (chr1:151,406,037-151,406,040); deleting any one gives the same sequence. VCF-style (leftmost placement, unchanged base first): chr1-151406036-TG-T. GRCh37 (hg19) VCF-style: chr1-151378512-TG-T.
Other names: c.2971del, p.Gln991fs (NM_001194937.2); c.2812del, p.Gln938fs (NM_001194938.2); c.3019del, p.Gln1007fs (NM_001410860.1); c.2713del, p.Gln905fs (NM_145796.4); c.2839del, p.Gln947fs (NM_207171.2); short protein forms Q1000fs, Q1007fs, Q905fs, Q938fs, Q947fs, Q991fs.
Identifiers: ClinVar variation 4851277 (VCV004851277.1).